The following is an entry in ClinVar:

NM_005802.5(TOPORS):c.2881G>A (p.Val961Met)

Gene: TOPORS (TOP1 binding arginine/serine rich protein, E3 ubiquitin ligase; minus strand). Cytogenetic location: 9p21.1.
Variant type: single nucleotide variant.
Coding change: c.2881G>A on transcript NM_005802.5 (MANE Select); coding-DNA position 2881, G replaced by A.
Protein change: p.Val961Met; replaces valine 961 with methionine.
Molecular consequence: missense variant.
Genome position (GRCh38, 1-based): chr9:32,541,644, C>T on the plus strand (G>A on the coding strand, the complement: TOPORS is on the minus strand). VCF-style: chr9-32541644-C-T. GRCh37 (hg19) VCF-style: chr9-32541642-C-T.
Other names: c.2686G>A, p.Val896Met (NM_001195622.2); short protein forms V896M, V961M.
Identifiers: ClinVar variation 855146 (VCV000855146.13), dbSNP rs752154568, ClinGen allele CA5020295.

ClinVar aggregate classification (germline): Uncertain significance. Review status: criteria provided, multiple submitters, no conflicts (2 of 4 stars). 2 submissions from 2 submitters: Uncertain significance (2). Last evaluated 2025-11-09.

Conditions:
Inborn genetic diseases. Identifiers: MedGen C0950123, MeSH D030342.

Allele frequency attached by ClinVar (database versions not stated): ExAC 0.00002; gnomAD exomes 0.00002 and 0.00004; TOPMed 0.00003; gnomAD 0.00004.

Submissions (2):

Labcorp Genetics (formerly Invitae), Labcorp
Classification: Uncertain significance. Last evaluated: 2025-11-09. Review status: criteria provided, single submitter. Criteria: Invitae Variant Classification Sherloc (09022015). Collection method: clinical testing. Allele origin: germline.
Comment: This sequence change replaces valine, which is neutral and non-polar, with methionine, which is neutral and non-polar, at codon 961 of the TOPORS protein (p.Val961Met). This variant is present in population databases (rs752154568, gnomAD 0.004%). This variant has not been reported in the literature in individuals affected with TOPORS-related conditions. ClinVar contains an entry for this variant (Variation ID: 855146). Experimental studies and prediction algorithms are not available or were not evaluated, and the functional significance of this variant is currently unknown. In summary, the available evidence is currently insufficient to determine the role of this variant in disease. Therefore, it has been classified as a Variant of Uncertain Significance.

Ambry Genetics
Classification: Uncertain significance for Inborn genetic diseases. Last evaluated: 2023-01-17. Review status: criteria provided, single submitter. Criteria: Ambry Variant Classification Scheme 2023. Collection method: clinical testing. Allele origin: germline.